The following is an entry in ClinVar:

ClinVar aggregate classification (germline): Uncertain significance. Review status: criteria provided, multiple submitters, no conflicts (2 of 4 stars). 3 submissions from 3 submitters: Uncertain significance (3). Last evaluated 2022-06-22.

Conditions:
Inborn genetic diseases. Identifiers: MedGen C0950123, MeSH D030342.
Hereditary sensory and autonomic neuropathy type 6. Also called: HSAN VI; Neuropathy, hereditary sensory and autonomic, type VI. Identifiers: Orphanet 314381, MedGen C3539003, MONDO:0013839, OMIM 614653.
Epidermolysis bullosa simplex 3, localized or generalized intermediate, with BP230 deficiency (EBS3). Also called: Epidermolysis bullosa simplex due to BP230 deficiency; Epidermolysis bullosa simplex, autosomal recessive 2. Identifiers: Orphanet 412181, MedGen C3809470, MONDO:0014180, OMIM 615425.

Allele frequency attached by ClinVar (database versions not stated): gnomAD 0.00001 and 0.00002; TOPMed 0.00001; gnomAD exomes 0.00002; ExAC 0.00003.
gnomAD v4.1: 38 of 1,613,272 alleles (0.0024%); highest among the groups gnomAD compares: Middle Eastern, 0.066%; no homozygotes.

Submissions (3):

Labcorp Genetics (formerly Invitae), Labcorp
Classification: Uncertain significance for Epidermolysis bullosa simplex 3, localized or generalized intermediate, with BP230 deficiency; Hereditary sensory and autonomic neuropathy type 6. Last evaluated: 2022-06-22. Review status: criteria provided, single submitter. Criteria: Invitae Variant Classification Sherloc (09022015). Collection method: clinical testing. Allele origin: germline.
Comment: The DST gene has multiple clinically relevant transcripts. This variant occurs in alternate transcript NM_015548.4, and corresponds to NM_001723.5:c.*88966C>G in the primary transcript. This sequence change replaces alanine, which is neutral and non-polar, with glycine, which is neutral and non-polar, at codon 3357 of the DST protein (p.Ala3357Gly). This variant is present in population databases (rs778663720, gnomAD 0.004%). This variant has not been reported in the literature in individuals affected with DST-related conditions. Experimental studies and prediction algorithms are not available or were not evaluated, and the functional significance of this variant is currently unknown. Algorithms developed to predict the effect of sequence changes on RNA splicing suggest that this variant may create or strengthen a splice site. In summary, the available evidence is currently insufficient to determine the role of this variant in disease. Therefore, it has been classified as a Variant of Uncertain Significance.

Ambry Genetics
Classification: Uncertain significance for Inborn genetic diseases. Last evaluated: 2021-07-21. Review status: criteria provided, single submitter. Criteria: Ambry Variant Classification Scheme 2023. Collection method: clinical testing. Allele origin: germline.
Comment: The p.A3861G variant (also known as c.11582C>G), located in coding exon 63 of the DST gene, results from a C to G substitution at nucleotide position 11582. The alanine at codon 3861 is replaced by glycine, an amino acid with similar properties. This amino acid position is not well conserved in available vertebrate species. In addition, this alteration is predicted to be tolerated by in silico analysis. Since supporting evidence is limited at this time, the clinical significance of this alteration remains unclear.

Breakthrough Genomics
Classification: Uncertain significance. Review status: criteria provided, single submitter. Criteria: ACMG Guidelines, 2015. Collection method: not provided. Allele origin: germline. Inheritance: Autosomal recessive inheritance. Affected: yes.

NM_001374736.1(DST):c.17939C>G (p.Ala5980Gly)

Gene: DST (dystonin; minus strand). Cytogenetic location: 6p12.1.
Variant type: single nucleotide variant.
Coding change: c.17939C>G on transcript NM_001374736.1 (MANE Select); coding-DNA position 17939, C replaced by G.
Protein change: p.Ala5980Gly; replaces alanine 5980 with glycine.
Molecular consequence: missense variant.
Genome position (GRCh38, 1-based): chr6:56,526,551, G>C on the plus strand (C>G on the coding strand, the complement: DST is on the minus strand). VCF-style: chr6-56526551-G-C. GRCh37 (hg19) VCF-style: chr6-56391349-G-C.
Other names: c.11582C>G, p.Ala3861Gly (NM_001144769.5); c.11168C>G, p.Ala3723Gly (NM_001144770.2); c.17939C>G, p.Ala5980Gly (NM_001374722.1); c.16979C>G, p.Ala5660Gly (NM_001374729.1); c.10721C>G, p.Ala3574Gly (NM_001374730.1); c.17966C>G, p.Ala5989Gly (NM_001374734.1); c.11048C>G, p.Ala3683Gly (NM_001386100.1, NM_183380.4); c.10070C>G, p.Ala3357Gly (NM_015548.5); short protein forms A3574G, A3683G, A3861G, A5660G, A5989G, A3357G, A3723G, A5980G.
Identifiers: ClinVar variation 1368042 (VCV001368042.6), dbSNP rs778663720, ClinGen allele CA3867330.
Genomic context (GRCh38, chr6:56,526,551, plus strand): 5'-AGTTCCAGCAAAGCACTGCTCACTTCATTAAGGGAGTCCAGTAAGGCTTTGTTGTTCTTA[G>C]CTTCCTTTTTCAGTTCCTGAAAACATACAAATAAGTTAGTAACACTTAAGAGCTTCAACA-3'
Protein context (NP_001361665.1, residues 5970-5990): QMRPKELKKE[Ala5980Gly]KNNKALLDSL